The following is an entry in ClinVar:

ClinVar aggregate classification (germline): Uncertain significance (1 of 4 stars; one submission).

Conditions:
Polycystic liver disease 2 (PCLD2). Also called: Polycystic liver disease 2 with or without kidney cysts. Identifiers: Orphanet 2924, MedGen C4310769, MONDO:0014860, OMIM 617004.

Allele frequency attached by ClinVar (database versions not stated): gnomAD exomes below 0.00001.
gnomAD v4.1: 4 of 1,599,238 alleles (0.00025%); highest among the groups gnomAD compares: Non-Finnish European, 0.00034%; no homozygotes.

Submission:

MVZ Medizinische Genetik Mainz
Classification: Uncertain significance for Polycystic liver disease 2. Last evaluated: 2022-09-01. Review status: criteria provided, single submitter. Criteria: UK Practice Guidelines For Variant Classification V4 01 2020. Collection method: clinical testing. Allele origin: germline. Inheritance: Autosomal dominant inheritance. Affected: yes. Observed: 1 variant allele.
Comment: ACMG Criteria: PM2_SUP, PP3

NM_007214.5(SEC63):c.574G>T (p.Val192Phe)

Gene: SEC63 (SEC63 homolog, protein translocation regulator; minus strand). Cytogenetic location: 6q21.
Variant type: single nucleotide variant.
Coding change: c.574G>T on transcript NM_007214.5 (MANE Select); coding-DNA position 574, G replaced by T.
Protein change: p.Val192Phe; replaces valine 192 with phenylalanine.
Molecular consequence: missense variant.
Genome position (GRCh38, 1-based): chr6:107,911,396, C>A on the plus strand (G>T on the coding strand, the complement: SEC63 is on the minus strand). VCF-style: chr6-107911396-C-A. GRCh37 (hg19) VCF-style: chr6-108232600-C-A.
Other names: short protein forms V192F.
Identifiers: ClinVar variation 3235957 (VCV003235957.1), dbSNP rs1208220391, ClinGen allele CA365186051.